The following is an entry in ClinVar:

NM_022489.4(INF2):c.1372C>T (p.Pro458Ser)

Gene: INF2 (inverted formin 2; plus strand). Cytogenetic location: 14q32.33.
Variant type: single nucleotide variant.
Coding change: c.1372C>T on transcript NM_022489.4 (MANE Select); coding-DNA position 1372, C replaced by T.
Protein change: p.Pro458Ser; replaces proline 458 with serine.
Molecular consequence: missense variant.
Genome position (GRCh38, 1-based): chr14:104,707,639, C>T. VCF-style: chr14-104707639-C-T. GRCh37 (hg19) VCF-style: chr14-105173976-C-T.
Other names: c.1372C>T, p.Pro458Ser (NM_001031714.4); short protein forms P458S.
Identifiers: ClinVar variation 514013 (VCV000514013.14), dbSNP rs760986113, ClinGen allele CA7372566.

ClinVar aggregate classification (germline): Benign/Likely benign. Review status: criteria provided, multiple submitters, no conflicts (2 of 4 stars). 4 submissions from 4 submitters: Benign (2); Likely benign (2). Last evaluated 2026-01-24.

Conditions:
Inborn genetic diseases. Identifiers: MedGen C0950123, MeSH D030342.
Focal segmental glomerulosclerosis 5 (FSGS5). Identifiers: Orphanet 656, MedGen C2750475, MONDO:0013191, OMIM 613237.
Charcot-Marie-Tooth disease dominant intermediate E. Also called: CHARCOT-MARIE-TOOTH NEUROPATHY WITH FOCAL SEGMENTAL GLOMERULONEPHRITIS. Identifiers: Orphanet 93114, MedGen C4302667, MONDO:0013758, OMIM 614455.

Allele frequency attached by ClinVar (database versions not stated): gnomAD 0.00036 and 0.00044; gnomAD exomes 0.00039 and 0.00171; ExAC 0.00045.
gnomAD v4.1: 377 of 956,702 alleles (0.039%); highest among the groups gnomAD compares: East Asian, 1%; 2 homozygotes.

Submissions (4):

Labcorp Genetics (formerly Invitae), Labcorp
Classification: Benign for Charcot-Marie-Tooth disease dominant intermediate E; Focal segmental glomerulosclerosis 5. Last evaluated: 2026-01-24. Review status: criteria provided, single submitter. Criteria: Invitae Variant Classification Sherloc (09022015). Collection method: clinical testing. Allele origin: germline.

Blueprint Genetics
Classification: Benign. Last evaluated: 2024-11-07. Review status: criteria provided, single submitter. Criteria: ACMG Guidelines, 2015. Collection method: clinical testing. Allele origin: germline.

Ambry Genetics
Classification: Likely benign for Inborn genetic diseases. Last evaluated: 2019-09-09. Review status: criteria provided, single submitter. Criteria: Ambry Variant Classification Scheme 2023. Collection method: clinical testing. Allele origin: germline.

GeneDx
Classification: Likely benign. Last evaluated: 2017-12-08. Review status: criteria provided, single submitter. Criteria: GeneDx Variant Classification (06012015). Collection method: clinical testing. Allele origin: germline. Affected: yes.
Comment: This variant is considered likely benign or benign based on one or more of the following criteria: it is a conservative change, it occurs at a poorly conserved position in the protein, it is predicted to be benign by multiple in silico algorithms, and/or has population frequency not consistent with disease.